The following is an entry in ClinVar:

NM_004415.4(DSP):c.1419+5G>C

Gene: DSP (desmoplakin; plus strand). Cytogenetic location: 6p24.3.
Variant type: single nucleotide variant.
Coding change: c.1419+5G>C on transcript NM_004415.4 (MANE Select); 5 bases into the intron after coding-DNA position 1419, G replaced by C.
Molecular consequence: intron variant.
Genome position (GRCh38, 1-based): chr6:7,568,594, G>C. VCF-style: chr6-7568594-G-C. GRCh37 (hg19) VCF-style: chr6-7568827-G-C.
Other names: c.1419+5G>C (LRG_423t1, NM_001319034.2, NM_001008844.3 and 1 more transcripts).
Identifiers: ClinVar variation 465881 (VCV000465881.19), dbSNP rs1004508873, ClinGen allele CA133956112.
Genomic context (GRCh38, chr6:7,568,594, plus strand): 5'-ACAGAAGCAATAAACCCATTATTCTCAGAGCTCTCTGTGACTACAAACAAGATCAGGTGT[G>C]TACTCATTTAGAATGATACAAAAGTTTTCCCTGTCTTTACACACAAATTTTTGTCCATCA-3'

ClinVar aggregate classification (germline): Conflicting classifications of pathogenicity. Review status: criteria provided, conflicting classifications (1 of 4 stars). 5 submissions from 5 submitters: Uncertain significance (4); Likely benign (1). Last evaluated 2025-11-03.

Conditions:
DSP-related disorder. Also called: DSP-related disorders; DSP-related condition.
Cardiovascular phenotype. Identifiers: MedGen CN230736.
Cardiomyopathy (CMYO). Also called: Cardiomyopathies. Identifiers: Orphanet 167848, MedGen C0878544, MONDO:0004994, HP:0001638. Inheritance: Various modes of inheritance.
Arrhythmogenic right ventricular dysplasia 8 (ARVD8). Also called: Arrhythmogenic Right Ventricular Dysplasia/Cardiomyopathy 8; ARRHYTHMOGENIC RIGHT VENTRICULAR DYSPLASIA, FAMILIAL, 8; ARRHYTHMOGENIC RIGHT VENTRICULAR CARDIOMYOPATHY 8. Identifiers: MedGen C1843896, MONDO:0011831, OMIM 607450.
Arrhythmogenic cardiomyopathy with wooly hair and keratoderma. Also called: Arrhythmogenic cardiomyopathy with woolly hair and keratoderma; PALMOPLANTAR KERATODERMA WITH LEFT VENTRICULAR CARDIOMYOPATHY AND WOOLLY HAIR; Carvajal syndrome; Dilated cardiomyopathy with woolly hair and keratoderma. Identifiers: Orphanet 65282, MedGen C1854063, MONDO:0011581, OMIM 605676.

Allele frequency attached by ClinVar (database versions not stated): gnomAD exomes below 0.00001; gnomAD 0.00002; TOPMed 0.00002.

Submissions (5):

PreventionGenetics, part of Exact Sciences
Classification: Likely benign for DSP-related condition. Last evaluated: 2025-11-03. Review status: criteria provided, single submitter. Criteria: ACMG Guidelines, 2015. Collection method: clinical testing. Allele origin: germline.
Comment: This variant is classified as likely benign based on ACMG/AMP sequence variant interpretation guidelines (Richards et al. 2015 PMID: 25741868, with internal and published modifications).

All of Us Research Program, National Institutes of Health
Classification: Uncertain significance for Arrhythmogenic cardiomyopathy with wooly hair and keratoderma. Last evaluated: 2024-08-06. Review status: criteria provided, single submitter. Criteria: ACMG Guidelines, 2015. Collection method: clinical testing. Allele origin: germline. Inheritance: Autosomal dominant inheritance. Observed: 2 variant alleles, 2 heterozygotes.
Comment: This variant causes a G to C nucleotide substitution at the +5 position of intron 11 of the DSP gene. Splice site prediction tools predict that this variant may have a significant impact on RNA splicing, however, this prediction has not been confirmed in published RNA studies. This variant has not been reported in individuals affected with cardiovascular disorders in the literature. This variant has not been identified in the general population by the Genome Aggregation Database (gnomAD). The available evidence is insufficient to determine the role of this variant in disease conclusively. Therefore, this variant is classified as a Variant of Uncertain Significance.

This study involves interpretation of variants in research participants for the purpose of population health screening. Participant phenotype was not available at the time of variant classification. Additional details can be found in publication PMID: 35346344, PMCID: PMC8962531

Labcorp Genetics (formerly Invitae), Labcorp
Classification: Uncertain significance for Arrhythmogenic cardiomyopathy with wooly hair and keratoderma; Arrhythmogenic right ventricular dysplasia 8. Last evaluated: 2024-06-28. Review status: criteria provided, single submitter. Criteria: Invitae Variant Classification Sherloc (09022015). Collection method: clinical testing. Allele origin: germline.
Comment: This sequence change falls in intron 11 of the DSP gene. It does not directly change the encoded amino acid sequence of the DSP protein. It affects a nucleotide within the consensus splice site. This variant is present in population databases (no rsID available, gnomAD 0.01%). This variant has not been reported in the literature in individuals affected with DSP-related conditions. ClinVar contains an entry for this variant (Variation ID: 465881). Variants that disrupt the consensus splice site are a relatively common cause of aberrant splicing (PMID: 17576681, 9536098). Algorithms developed to predict the effect of sequence changes on RNA splicing suggest that this variant is not likely to affect RNA splicing. In summary, the available evidence is currently insufficient to determine the role of this variant in disease. Therefore, it has been classified as a Variant of Uncertain Significance.

Color Diagnostics, LLC DBA Color Health
Classification: Uncertain significance for Cardiomyopathy. Last evaluated: 2023-10-02. Review status: criteria provided, single submitter. Criteria: ACMG Guidelines, 2015. Collection method: clinical testing. Allele origin: germline.
Comment: This variant causes a G to C nucleotide substitution at the +5 position of intron 11 of the DSP gene. Splice site prediction tools predict that this variant may have a significant impact on RNA splicing, however, this prediction has not been confirmed in published RNA studies. This variant has not been reported in individuals affected with cardiovascular disorders in the literature. This variant has not been identified in the general population by the Genome Aggregation Database (gnomAD). The available evidence is insufficient to determine the role of this variant in disease conclusively. Therefore, this variant is classified as a Variant of Uncertain Significance.

Ambry Genetics
Classification: Uncertain significance for Cardiovascular phenotype. Last evaluated: 2023-03-07. Review status: criteria provided, single submitter. Criteria: Ambry Variant Classification Scheme 2023. Collection method: clinical testing. Allele origin: germline.
Comment: The c.1419+5G>C intronic variant results from a G to C substitution 5 nucleotides after coding exon 11 in the DSP gene. This nucleotide position is highly conserved in available vertebrate species. In silico splice site analysis predicts that this alteration will not have any significant effect on splicing. Since supporting evidence is limited at this time, the clinical significance of this alteration remains unclear.

Literature cited by the submitters: PubMed 17576681 (cited by Labcorp Genetics (formerly Invitae), Labcorp); PubMed 9536098 (cited by Labcorp Genetics (formerly Invitae), Labcorp).